The following is an entry in ClinVar:

ClinVar aggregate classification (germline): Conflicting classifications of pathogenicity. Review status: criteria provided, conflicting classifications (1 of 4 stars). 3 submissions from 3 submitters: Uncertain significance (2); Benign (1). Last evaluated 2023-02-15.

Conditions:
Inborn genetic diseases. Identifiers: MedGen C0950123, MeSH D030342.
Global developmental delay with or without impaired intellectual development. Identifiers: MedGen C5193032, MONDO:0032680, OMIM 618330.

Allele frequency attached by ClinVar (database versions not stated): 1000 Genomes Project 30x 0.00047.
gnomAD v4.1: 158 of 1,148,476 alleles (0.014%); highest among the groups gnomAD compares: Middle Eastern, 0.37%; 2 homozygotes.

Submissions (3):

Revvity Omics, Revvity
Classification: Uncertain significance for Global developmental delay with or without impaired intellectual development. Last evaluated: 2023-02-15. Review status: criteria provided, single submitter. Criteria: ACMG Guidelines, 2015. Collection method: clinical testing. Allele origin: germline.

CeGaT Center for Human Genetics Tuebingen
Classification: Benign. Last evaluated: 2022-06-01. Review status: criteria provided, single submitter. Criteria: CeGaT Center For Human Genetics Tuebingen Variant Classification Criteria Version 2. Collection method: clinical testing. Allele origin: germline. Affected: yes. Observed: 1 variant allele.
Comment: CUX1: BS1, BS2

Ambry Genetics
Classification: Uncertain significance for Inborn genetic diseases. Last evaluated: 2021-07-13. Review status: criteria provided, single submitter. Criteria: Ambry Variant Classification Scheme 2023. Collection method: clinical testing. Allele origin: germline.

NM_181552.4(CUX1):c.4298C>G (p.Ala1433Gly)

Gene: CUX1 (cut like homeobox 1; plus strand). Cytogenetic location: 7q22.1.
Variant type: single nucleotide variant.
Coding change: c.4298C>G on transcript NM_181552.4 (MANE Select); coding-DNA position 4298, C replaced by G.
Protein change: p.Ala1433Gly; replaces alanine 1433 with glycine.
Molecular consequence: missense variant. On other transcripts: intron variant (5).
Genome position (GRCh38, 1-based): chr7:102,248,822, C>G. VCF-style: chr7-102248822-C-G. GRCh37 (hg19) VCF-style: chr7-101892102-C-G.
Other names: c.4331C>G, p.Ala1444Gly (NM_001202543.2); c.1256-24544C>G (NM_001913.5); c.1250-24544C>G (NM_181500.4); c.1118-24544C>G (NM_001202545.3); c.1208-24544C>G (NM_001202544.3); c.1139-24544C>G (NM_001202546.3); short protein forms A1433G, A1444G.
Identifiers: ClinVar variation 2343376 (VCV002343376.28), dbSNP rs782643537, ClinGen allele CA163399062.